The following is an entry in ClinVar:

NM_002473.6(MYH9):c.4354GAG[1] (p.Glu1453del)

Gene: MYH9 (myosin heavy chain 9; minus strand). Cytogenetic location: 22q12.3.
Variant type: Microsatellite.
Coding change: c.4354GAG[1] on transcript NM_002473.6 (MANE Select); one copy of the 3-base unit GAG starting at c.4354; the reference has two copies in a row; one copy, 3 bases deleted.
Protein change: p.Glu1453del; deletes glutamic acid 1453.
Molecular consequence: inframe deletion. On other transcripts: inframe indel (1).
Genome position (GRCh38, 1-based): chr22:36,289,283-36,289,285, CTC deleted on the plus strand (GAG on the coding strand, the reverse complement: MYH9 is on the minus strand); deleting any 3 consecutive bases within chr22:36,289,283-36,289,289 gives the same sequence; the position shown is the placement nearest the transcript's 3' end. VCF-style (leftmost placement, unchanged base first): chr22-36289282-TCTC-T. GRCh37 (hg19) VCF-style: chr22-36685328-TCTC-T.
Other names: c.4357_4359delGAG (NM_002473.6, NM_002473.5); c.4353_4355GGA[1], p.Glu1453del (NM_002473.5); short protein forms E1453del.
Identifiers: ClinVar variation 2664783 (VCV002664783.6), dbSNP rs2517954753, ClinGen allele CA2499307144.

ClinVar aggregate classification (germline): Conflicting classifications of pathogenicity. Review status: criteria provided, conflicting classifications (1 of 4 stars). 3 submissions from 3 submitters: Likely pathogenic (1); Uncertain significance (2). Last evaluated 2026-03-11.

Conditions:
MYH9-related disorder. Identifiers: MedGen C1854520.
Macrothrombocytopenia and granulocyte inclusions with or without nephritis or sensorineural hearing loss (MATINS). Also called: BLEEDING DISORDER, PLATELET-TYPE, 6; MAY-HEGGLIN ANOMALY; DOHLE LEUKOCYTE INCLUSIONS WITH GIANT PLATELETS; MYH9-Related Disease (MYH9-RD); SEBASTIAN PLATELET SYNDROME; MACROTHROMBOCYTOPENIA WITH DISPERSED LEUKOCYTIC INCLUSIONS. Identifiers: Orphanet 182050, MedGen C5200934, MONDO:0015912, OMIM 155100.

Submissions (3):

PreventionGenetics, part of Exact Sciences
Classification: Uncertain significance for MYH9-related condition. Last evaluated: 2026-03-11. Review status: criteria provided, single submitter. Criteria: ACMG Guidelines, 2015. Collection method: clinical testing. Allele origin: germline.
Comment: The MYH9 c.4357_4359delGAG variant is predicted to result in an in-frame deletion (p.Glu1453del). To our knowledge, this variant has not been reported in the literature or in a large population database (gnomAD), indicating this variant is rare. At this time, the clinical significance of this variant is uncertain due to the absence of conclusive functional and genetic evidence.

Labcorp Genetics (formerly Invitae), Labcorp
Classification: Uncertain significance. Last evaluated: 2023-08-23. Review status: criteria provided, single submitter. Criteria: Invitae Variant Classification Sherloc (09022015). Collection method: clinical testing. Allele origin: germline.
Comment: This variant, c.4357_4359del, results in the deletion of 1 amino acid(s) of the MYH9 protein (p.Glu1453del), but otherwise preserves the integrity of the reading frame. In summary, the available evidence is currently insufficient to determine the role of this variant in disease. Therefore, it has been classified as a Variant of Uncertain Significance. Experimental studies and prediction algorithms are not available or were not evaluated, and the functional significance of this variant is currently unknown. This variant has been observed in individual(s) with May-Hegglin anomaly (Invitae). This variant is not present in population databases (gnomAD no frequency).

Genetics and Molecular Pathology, SA Pathology
Classification: Likely pathogenic for Macrothrombocytopenia and granulocyte inclusions with or without nephritis or sensorineural hearing loss. Last evaluated: 2021-12-15. Review status: criteria provided, single submitter. Criteria: ACMG Guidelines, 2015. Collection method: clinical testing. Allele origin: germline. Inheritance: Autosomal dominant inheritance. Affected: yes.